The following is an entry in ClinVar:

ClinVar aggregate classification (germline): Uncertain significance (1 of 4 stars; one submission).

Conditions:
Tietz syndrome (TADS). Also called: HYPOPIGMENTATION/DEAFNESS OF TIETZ; ALBINISM-DEAFNESS OF TIETZ; TIETZ ALBINISM-DEAFNESS SYNDROME. Identifiers: Orphanet 42665, MedGen C0391816, MONDO:0007077, OMIM 103500.
Melanoma, cutaneous malignant, susceptibility to, 8. Also called: Cutaneous malignant melanoma 8; MELANOMA AND RENAL CELL CARCINOMA, SUSCEPTIBILITY TO. Identifiers: Orphanet 293822, MedGen C3152204, MONDO:0013759, OMIM 614456.
Waardenburg syndrome type 2A (WS2A). Also called: WAARDENBURG SYNDROME WITHOUT DYSTOPIA CANTHORUM. Identifiers: Orphanet 3440, MedGen C1860339, MONDO:0008671, OMIM 193510.

Submission:

Labcorp Genetics (formerly Invitae), Labcorp
Classification: Uncertain significance for Melanoma, cutaneous malignant, susceptibility to, 8; Waardenburg syndrome type 2A; Tietz syndrome. Last evaluated: 2025-04-02. Review status: criteria provided, single submitter. Criteria: Invitae Variant Classification Sherloc (09022015). Collection method: clinical testing. Allele origin: germline.
Comment: This sequence change replaces arginine, which is basic and polar, with glycine, which is neutral and non-polar, at codon 97 of the MITF protein (p.Arg97Gly). This variant is not present in population databases (gnomAD no frequency). This variant has not been reported in the literature in individuals affected with MITF-related conditions. ClinVar contains an entry for this variant (Variation ID: 2921518). An algorithm developed to predict the effect of missense changes on protein structure and function (PolyPhen-2) suggests that this variant is likely to be disruptive. In summary, the available evidence is currently insufficient to determine the role of this variant in disease. Therefore, it has been classified as a Variant of Uncertain Significance.

NM_001354604.2(MITF):c.610A>G (p.Arg204Gly)

Gene: MITF (melanocyte inducing transcription factor; plus strand). Cytogenetic location: 3p13.
Variant type: single nucleotide variant.
Coding change: c.610A>G on transcript NM_001354604.2 (MANE Select); coding-DNA position 610, A replaced by G.
Protein change: p.Arg204Gly; replaces arginine 204 with glycine.
Molecular consequence: missense variant.
Genome position (GRCh38, 1-based): chr3:69,939,125, A>G. VCF-style: chr3-69939125-A-G. GRCh37 (hg19) VCF-style: chr3-69988276-A-G.
Other names: c.289A>G, p.Arg97Gly (NM_000248.4, NM_198158.3); c.454A>G, p.Arg152Gly (NM_001184967.2, NM_001354608.2); c.607A>G, p.Arg203Gly (NM_001354605.2, NM_001354606.2, NM_006722.3); c.559A>G, p.Arg187Gly (NM_001354607.2); c.610A>G, p.Arg204Gly (NM_198159.3); c.562A>G, p.Arg188Gly (NM_198177.3); c.121A>G, p.Arg41Gly (NM_198178.3); short protein forms R187G, R188G, R203G, R41G, R152G, R204G, R97G.
Identifiers: ClinVar variation 2921518 (VCV002921518.3), dbSNP rs2471591216, ClinGen allele CA353560881.